The following is an entry in ClinVar:

NM_001278512.2(AP3B2):c.2048G>A (p.Cys683Tyr)

Genes: AP3B2 (adaptor related protein complex 3 subunit beta 2; minus strand), CPEB1-AS1 (CPEB1 antisense RNA 1; plus strand). Cytogenetic location: 15q25.2.
Variant type: single nucleotide variant.
Coding change: c.2048G>A on transcript NM_001278512.2 (MANE Select); coding-DNA position 2048, G replaced by A.
Protein change: p.Cys683Tyr; replaces cysteine 683 with tyrosine.
Molecular consequence: missense variant.
Genome position (GRCh38, 1-based): chr15:82,664,924, C>T on the plus strand (G>A on the coding strand, the complement: AP3B2 is on the minus strand). VCF-style: chr15-82664924-C-T. GRCh37 (hg19) VCF-style: chr15-83333676-C-T.
Other names: c.1895G>A, p.Cys632Tyr (NM_001278511.2); c.1991G>A, p.Cys664Tyr (NM_004644.5); short protein forms C683Y, C664Y, C632Y.
Identifiers: ClinVar variation 1348687 (VCV001348687.8), dbSNP rs1446684015, ClinGen allele CA393312396.

ClinVar aggregate classification (germline): Uncertain significance (1 of 4 stars; one submission).

Submission:

Labcorp Genetics (formerly Invitae), Labcorp
Classification: Uncertain significance. Last evaluated: 2021-04-24. Review status: criteria provided, single submitter. Criteria: Invitae Variant Classification Sherloc (09022015). Collection method: clinical testing. Allele origin: germline.
Comment: Algorithms developed to predict the effect of missense changes on protein structure and function are either unavailable or do not agree on the potential impact of this missense change (SIFT: "Deleterious"; PolyPhen-2: "Benign"; Align-GVGD: "Class C0"). In summary, the available evidence is currently insufficient to determine the role of this variant in disease. Therefore, it has been classified as a Variant of Uncertain Significance. This sequence change replaces cysteine with tyrosine at codon 664 of the AP3B2 protein (p.Cys664Tyr). The cysteine residue is moderately conserved and there is a large physicochemical difference between cysteine and tyrosine. This variant is not present in population databases (ExAC no frequency). This variant has not been reported in the literature in individuals with AP3B2-related conditions.